The following is an entry in ClinVar:

ClinVar aggregate classification (germline): Likely pathogenic (1 of 4 stars; one submission).

Conditions:
Intellectual developmental disorder, autosomal dominant 6, with or without seizures. Also called: GRIN2B-related developmental delay, intellectual disability and autism spectrum disorder; Intellectual disability, autosomal dominant 6. Identifiers: Orphanet 589547, MedGen C3151411, MONDO:0013509, OMIM 613970.

Submission:

Institute of Human Genetics, University of Leipzig Medical Center
Classification: Likely pathogenic for Intellectual developmental disorder, autosomal dominant 6, with or without seizures. Last evaluated: 2023-02-21. Review status: criteria provided, single submitter. Criteria: ACMG Guidelines, 2015. Collection method: clinical testing. Allele origin: unknown. Affected: yes.
Comment: _x000D_ Criteria applied: PVS1, PM2_SUP

NM_000834.5(GRIN2B):c.1500+1G>A

Gene: GRIN2B (glutamate ionotropic receptor NMDA type subunit 2B; minus strand). Cytogenetic location: 12p13.1.
Variant type: single nucleotide variant.
Coding change: c.1500+1G>A on transcript NM_000834.5 (MANE Select); the canonical splice donor site of the intron after coding-DNA position 1500, G replaced by A.
Molecular consequence: splice donor variant.
Genome position (GRCh38, 1-based): chr12:13,615,492, C>T on the plus strand (G>A on the coding strand, the complement: GRIN2B is on the minus strand). VCF-style: chr12-13615492-C-T. GRCh37 (hg19) VCF-style: chr12-13768426-C-T.
Other names: c.1500+1G>A (NM_001413992.1).
Identifiers: ClinVar variation 2500331 (VCV002500331.1), dbSNP rs2497599320, ClinGen allele CA384052023.
Genomic context (GRCh38, chr12:13,615,492, plus strand): 5'-ATATTTAGAAGAAGGAAAATAAATGAAAATGGAAATGGAAACAGCCCTTGTGGACACTCA[C>T]CTCTCCAATCATACCATTCCAGGTTCCATTGATTTTCTTCCCATGCTTGCCATTGGTAAC-3'